The following is an entry in ClinVar:

NM_000520.6(HEXA):c.1502C>G (p.Ser501Ter)

Gene: HEXA (hexosaminidase subunit alpha; minus strand). Cytogenetic location: 15q23.
Variant type: single nucleotide variant.
Coding change: c.1502C>G on transcript NM_000520.6 (MANE Select); coding-DNA position 1502, C replaced by G.
Protein change: p.Ser501Ter; replaces serine 501 with a stop codon.
Molecular consequence: nonsense. On other transcripts: non-coding transcript variant (1).
Genome position (GRCh38, 1-based): chr15:72,345,470, G>C on the plus strand (C>G on the coding strand, the complement: HEXA is on the minus strand). VCF-style: chr15-72345470-G-C. GRCh37 (hg19) VCF-style: chr15-72637811-G-C.
Other names: c.1535C>G, p.Ser512Ter (NM_001318825.2); c.1502C>G (NM_000520.5); short protein forms S501*, S512*.
Identifiers: ClinVar variation 551391 (VCV000551391.4), dbSNP rs1555472270, ClinGen allele CA393058558.

ClinVar aggregate classification (germline): Likely pathogenic. Review status: criteria provided, single submitter (1 of 4 stars). 2 submissions from 2 submitters: Likely pathogenic (1). 1 of the submissions does not count toward it. Last evaluated 2025-01-08.

Conditions:
Tay-Sachs disease (TSD). Also called: HEXA Disorders; HEXA DEFICIENCY; Hexosaminidase A Deficiency; GM2 gangliosidosis, type 1; Hexosaminidase alpha-subunit deficiency (variant B); Sphingolipidosis, Tay-Sachs. Identifiers: Orphanet 845, MedGen C0039373, MONDO:0010100, OMIM 272800.

Submissions (2):

Natera, Inc.
Classification: Likely pathogenic for Tay-Sachs disease. Last evaluated: 2025-01-08. Review status: criteria provided, single submitter. Criteria: Natera Variant Classification Schema (03/2026). Collection method: clinical testing. Allele origin: germline.
Comment: The c.1502C>G variant in HEXA is a nonsense variant predicted to introduce a stop codon at amino acid 501. This variant is expected to result in nonsense mediated decay, truncation, or a dysfunctional protein product. This variant is rare in the general population with a frequency below the threshold expected for the associated phenotype(s). Given the available evidence, this variant is classified as Likely Pathogenic.

Counsyl
Classification: Likely pathogenic for Tay-Sachs disease. Last evaluated: 2017-04-06. Review status: no assertion criteria provided. Collection method: clinical testing. Allele origin: unknown. Not counted in ClinVar's aggregate classification.